The following is an entry in ClinVar:

ClinVar aggregate classification (germline): Likely benign. Review status: criteria provided, multiple submitters, no conflicts (2 of 4 stars). 3 submissions from 3 submitters: Likely benign (3). Last evaluated 2025-09-25.

Conditions:
SLC12A2-related disorder. Also called: SLC12A2-related condition; SLC12A2-related disorders.

Allele frequency attached by ClinVar (database versions not stated): gnomAD 0.00030; gnomAD exomes 0.00053.
gnomAD v4.1: 598 of 1,176,408 alleles (0.051%); highest among the groups gnomAD compares: South Asian, 0.26%; 2 homozygotes.

Submissions (3):

Labcorp Genetics (formerly Invitae), Labcorp
Classification: Likely benign. Last evaluated: 2025-09-25. Review status: criteria provided, single submitter. Criteria: Invitae Variant Classification Sherloc (09022015). Collection method: clinical testing. Allele origin: germline.

PreventionGenetics, part of Exact Sciences
Classification: Likely benign for SLC12A2-related condition. Last evaluated: 2025-05-23. Review status: criteria provided, single submitter. Criteria: ACMG Guidelines, 2015. Collection method: clinical testing. Allele origin: germline.
Comment: This variant is classified as likely benign based on ACMG/AMP sequence variant interpretation guidelines (Richards et al. 2015 PMID: 25741868, with internal and published modifications).

CeGaT Center for Human Genetics Tuebingen
Classification: Likely benign. Last evaluated: 2025-02-01. Review status: criteria provided, single submitter. Criteria: CeGaT Center For Human Genetics Tuebingen Variant Classification Criteria Version 2. Collection method: clinical testing. Allele origin: germline. Affected: yes. Observed: 1 variant allele.
Comment: SLC12A2: BP4, BP7

NM_001046.3(SLC12A2):c.288G>T (p.Ala96=)

Genes: SLC12A2 (solute carrier family 12 member 2; plus strand), LOC129994526 (ATAC-STARR-seq lymphoblastoid silent region 16295; plus strand). Cytogenetic location: 5q23.3.
Variant type: single nucleotide variant.
Coding change: c.288G>T on transcript NM_001046.3 (MANE Select); coding-DNA position 288, G replaced by T.
Protein change: p.Ala96=; no amino-acid change (alanine 96 retained).
Molecular consequence: synonymous variant. On other transcripts: non-coding transcript variant (1).
Genome position (GRCh38, 1-based): chr5:128,084,242, G>T. VCF-style: chr5-128084242-G-T. GRCh37 (hg19) VCF-style: chr5-127419934-G-T.
Other names: c.288G>T, p.Ala96= (NM_001256461.2); c.288G>T (NM_001046.2).
Identifiers: ClinVar variation 2040863 (VCV002040863.18), dbSNP rs769929100, ClinGen allele CA3392762.